The following is an entry in ClinVar:

NM_025207.5(FLAD1):c.122C>T (p.Pro41Leu)

Gene: FLAD1 (flavin adenine dinucleotide synthetase 1; plus strand). Cytogenetic location: 1q21.3.
Variant type: single nucleotide variant.
Coding change: c.122C>T on transcript NM_025207.5 (MANE Select); coding-DNA position 122, C replaced by T.
Protein change: p.Pro41Leu; replaces proline 41 with leucine.
Molecular consequence: missense variant. On other transcripts: intron variant (3).
Genome position (GRCh38, 1-based): chr1:154,983,816, C>T. VCF-style: chr1-154983816-C-T. GRCh37 (hg19) VCF-style: chr1-154956292-C-T.
Other names: c.-144-26C>T (NM_001184891.2, NM_201398.3); c.-789-26C>T (NM_001184892.2); c.122C>T (NM_025207.4); short protein forms P41L.
Identifiers: ClinVar variation 1482880 (VCV001482880.4), dbSNP rs375419220, ClinGen allele CA30901628.

ClinVar aggregate classification (germline): Uncertain significance. Review status: criteria provided, multiple submitters, no conflicts (2 of 4 stars). 2 submissions from 2 submitters: Uncertain significance (2). Last evaluated 2026-03-15.

Allele frequency attached by ClinVar (database versions not stated): gnomAD exomes below 0.00001 and 0.00004; gnomAD 0.00002; TOPMed 0.00002; ESP Exome Variant Server 0.00008.

Submissions (2):

GeneDx
Classification: Uncertain significance. Last evaluated: 2026-03-15. Review status: criteria provided, single submitter. Criteria: GeneDx Variant Classification Process June 2021. Collection method: clinical testing. Allele origin: germline.
Comment: Not observed at significant frequency in large population cohorts (gnomAD); In silico analysis suggests that this missense variant does not alter protein structure/function; Has not been previously published as pathogenic or benign to our knowledge

Labcorp Genetics (formerly Invitae), Labcorp
Classification: Uncertain significance. Last evaluated: 2022-03-18. Review status: criteria provided, single submitter. Criteria: Invitae Variant Classification Sherloc (09022015). Collection method: clinical testing. Allele origin: germline.
Comment: This sequence change replaces proline, which is neutral and non-polar, with leucine, which is neutral and non-polar, at codon 41 of the FLAD1 protein (p.Pro41Leu). This variant is present in population databases (rs375419220, gnomAD 0.002%). This variant has not been reported in the literature in individuals affected with FLAD1-related conditions. Algorithms developed to predict the effect of missense changes on protein structure and function output the following: SIFT: "Deleterious"; PolyPhen-2: "Benign"; Align-GVGD: "Class C0". The leucine amino acid residue is found in multiple mammalian species, which suggests that this missense change does not adversely affect protein function. In summary, the available evidence is currently insufficient to determine the role of this variant in disease. Therefore, it has been classified as a Variant of Uncertain Significance.